The following is an entry in ClinVar:

ClinVar aggregate classification (germline): Uncertain significance (1 of 4 stars; one submission).

Conditions:
Inborn genetic diseases. Identifiers: MedGen C0950123, MeSH D030342.

Submission:

Ambry Genetics
Classification: Uncertain significance for Inborn genetic diseases. Last evaluated: 2025-04-13. Review status: criteria provided, single submitter. Criteria: Ambry Variant Classification Scheme 2023. Collection method: clinical testing. Allele origin: germline.
Comment: The p.G72A variant (also known as c.215G>C), located in coding exon 1 of the ANKRD26 gene, results from a G to C substitution at nucleotide position 215. The glycine at codon 72 is replaced by alanine, an amino acid with similar properties. This amino acid position is conserved. In addition, this alteration is predicted to be tolerated by in silico analysis. Based on the available evidence, the clinical significance of this variant remains unclear.

NM_014915.3(ANKRD26):c.215G>C (p.Gly72Ala)

Gene: ANKRD26 (ankyrin repeat domain containing 26; minus strand). Cytogenetic location: 10p12.1.
Variant type: single nucleotide variant.
Coding change: c.215G>C on transcript NM_014915.3 (MANE Select); coding-DNA position 215, G replaced by C.
Protein change: p.Gly72Ala; replaces glycine 72 with alanine.
Molecular consequence: missense variant.
Genome position (GRCh38, 1-based): chr10:27,100,112, C>G on the plus strand (G>C on the coding strand, the complement: ANKRD26 is on the minus strand). VCF-style: chr10-27100112-C-G. GRCh37 (hg19) VCF-style: chr10-27389041-C-G.
Other names: c.215G>C, p.Gly72Ala (NM_001256053.2); short protein forms G72A.
Identifiers: ClinVar variation 3913722 (VCV003913722.1).